The following is an entry in ClinVar:

NC_012920.1(MT-CO3):m.9948G>A

Gene: MT-CO3 (mitochondrially encoded cytochrome c oxidase III; plus strand).
Variant type: single nucleotide variant.
Genome position: chrM-9948-G-A.
Identifiers: ClinVar variation 693251 (VCV000693251.1), dbSNP rs1556423747, ClinGen allele CA414804076.

ClinVar aggregate classification (germline): Benign (1 of 4 stars; one submission).

Conditions:
Leigh syndrome (NULS). Also called: Leigh's necrotizing encephalopathy; Leigh's disease; Leigh Syndrome (mtDNA deletion); Leigh Disease; Subacute necrotizing encephalopathy; Necrotizing encephalopathy infantile subacute of Leigh. Identifiers: Orphanet 506, MedGen C2931891, MONDO:0009723, OMIM 256000.

Submission:

Wong Mito Lab, Molecular and Human Genetics, Baylor College of Medicine
Classification: Benign for Leigh syndrome. Last evaluated: 2019-10-17. Review status: criteria provided, single submitter. Criteria: Modified ACMG Guidelines (Unpublished). Collection method: clinical testing. Allele origin: germline.
Comment: The NC_012920.1:m.9948G>A (YP_003024032.1:p.Val248Ile) variant in MTCO3 gene is interpretated to be a Benign variant based on the modified ACMG guidelines (unpublished). This variant meets the following evidence codes: BS1, BS2, BP4